The following is an entry in ClinVar:

ClinVar aggregate classification (germline): Pathogenic (1 of 4 stars; one submission).

Submission:

GeneDx
Classification: Pathogenic. Last evaluated: 2019-07-18. Review status: criteria provided, single submitter. Criteria: GeneDx Variant Classification Process June 2021. Collection method: clinical testing. Allele origin: germline. Affected: yes.
Comment: Lack of amplification of exons 49-54; however, this assay alone cannot determine the exact boundaries of the deletion.; Not observed at a significant frequency in large population cohorts (MacDonald et al., 2014); Deletion involving multiple coding exons of a gene for which loss-of-function is a known mechanism of disease; In silico analysis predicts that this deletion is out-of-frame and may produce a frameshift leading to protein truncation; Based on the understanding of this genetic alteration, it may be amenable to exon 55 skipping therapy that is currently available or in clinical trial; This variant is associated with the following publications: (PMID: 25482253, 19937601, 28332368, 3243546, 16030524, 12111668)

NM_004006.3(DMD):c.7099_7133del (p.Glu2367fs)

Gene: DMD (dystrophin; minus strand). Cytogenetic location: Xp21.1.
Variant type: Deletion.
Coding change: c.7099_7133del on transcript NM_004006.3 (MANE Select); coding-DNA positions 7099 to 7133, 35 bases deleted.
Protein change: p.Glu2367fs; shifts the reading frame from glutamic acid 2367.
Molecular consequence: frameshift variant. On other transcripts: 5 prime UTR variant (5).
Genome position (GRCh38, 1-based): chrX:31,836,785-31,836,819, 35 bases deleted. GRCh37 (hg19): chrX:31,854,902-31,854,936.
Other names: c.7075_7109del, p.Glu2359fs (NM_000109.4); c.7087_7121del, p.Glu2363fs (NM_004009.3); c.6730_6764del, p.Glu2244fs (NM_004010.3); c.3076_3110del, p.Glu1026fs (NM_004011.4); c.3067_3101del, p.Glu1023fs (NM_004012.4); c.-282_-248del (NM_004013.3, NM_004020.4, NM_004021.3 and 2 more transcripts); short protein forms E1023fs, E1026fs, E2244fs, E2359fs, E2363fs, E2367fs.
Identifiers: ClinVar variation 1220006 (VCV001220006.3), dbSNP rs2149493395, ClinGen allele CA2499226633.